The following is an entry in ClinVar:

NM_001379291.1(BRD4):c.1733G>A (p.Ser578Asn)

Gene: BRD4 (bromodomain containing 4; minus strand). Cytogenetic location: 19p13.12.
Variant type: single nucleotide variant.
Coding change: c.1733G>A on transcript NM_001379291.1 (MANE Select); coding-DNA position 1733, G replaced by A.
Protein change: p.Ser578Asn; replaces serine 578 with asparagine.
Molecular consequence: missense variant.
Genome position (GRCh38, 1-based): chr19:15,256,082, C>T on the plus strand (G>A on the coding strand, the complement: BRD4 is on the minus strand). VCF-style: chr19-15256082-C-T. GRCh37 (hg19) VCF-style: chr19-15366893-C-T.
Other names: c.1733G>A, p.Ser578Asn (NM_001330384.2, NM_001379292.1, NM_014299.3 and 1 more transcripts); short protein forms S578N.
Identifiers: ClinVar variation 2339386 (VCV002339386.5), dbSNP rs746464272, ClinGen allele CA9265303.

ClinVar aggregate classification (germline): Uncertain significance. Review status: criteria provided, multiple submitters, no conflicts (2 of 4 stars). 2 submissions from 2 submitters: Uncertain significance (2). Last evaluated 2025-03-18.

Conditions:
Inborn genetic diseases. Identifiers: MedGen C0950123, MeSH D030342.

Allele frequency attached by ClinVar (database versions not stated): gnomAD 0.00003; gnomAD exomes below 0.00001; TOPMed 0.00002; ExAC 0.00002.

Submissions (2):

Labcorp Genetics (formerly Invitae), Labcorp
Classification: Uncertain significance. Last evaluated: 2025-03-18. Review status: criteria provided, single submitter. Criteria: Invitae Variant Classification Sherloc (09022015). Collection method: clinical testing. Allele origin: germline.
Comment: This sequence change replaces serine, which is neutral and polar, with asparagine, which is neutral and polar, at codon 578 of the BRD4 protein (p.Ser578Asn). This variant is present in population databases (rs746464272, gnomAD 0.007%). This variant has not been reported in the literature in individuals affected with BRD4-related conditions. ClinVar contains an entry for this variant (Variation ID: 2339386). Invitae Evidence Modeling of protein sequence and biophysical properties (such as structural, functional, and spatial information, amino acid conservation, physicochemical variation, residue mobility, and thermodynamic stability) indicates that this missense variant is not expected to disrupt BRD4 protein function with a negative predictive value of 80%. In summary, the available evidence is currently insufficient to determine the role of this variant in disease. Therefore, it has been classified as a Variant of Uncertain Significance.

Ambry Genetics
Classification: Uncertain significance for Inborn genetic diseases. Last evaluated: 2022-12-27. Review status: criteria provided, single submitter. Criteria: Ambry Variant Classification Scheme 2023. Collection method: clinical testing. Allele origin: germline.